The following is an entry in ClinVar:

ClinVar aggregate classification (germline): Conflicting classifications of pathogenicity. Review status: criteria provided, conflicting classifications (1 of 4 stars). 2 submissions from 2 submitters: Uncertain significance (1); Likely benign (1). Last evaluated 2024-06-03.

Allele frequency attached by ClinVar (database versions not stated): gnomAD exomes 0.00004 and 0.00007; ExAC 0.00012; ESP Exome Variant Server 0.00023.
gnomAD v4.1: 64 of 1,614,032 alleles (0.004%); highest among the groups gnomAD compares: South Asian, 0.033%; no homozygotes.

Submissions (2):

Labcorp Genetics (formerly Invitae), Labcorp
Classification: Likely benign. Last evaluated: 2024-06-03. Review status: criteria provided, single submitter. Criteria: Invitae Variant Classification Sherloc (09022015). Collection method: clinical testing. Allele origin: germline.

GeneDx
Classification: Uncertain significance. Last evaluated: 2022-03-18. Review status: criteria provided, single submitter. Criteria: GeneDx Variant Classification Process June 2021. Collection method: clinical testing. Allele origin: germline. Affected: yes.
Comment: In silico analysis supports that this missense variant does not alter protein structure/function; Has not been previously published as pathogenic or benign to our knowledge

NM_198999.3(SLC26A5):c.1849C>T (p.Pro617Ser)

Gene: SLC26A5 (solute carrier family 26 member 5; minus strand). Cytogenetic location: 7q22.1.
Variant type: single nucleotide variant.
Coding change: c.1849C>T on transcript NM_198999.3 (MANE Select); coding-DNA position 1849, C replaced by T.
Protein change: p.Pro617Ser; replaces proline 617 with serine.
Molecular consequence: missense variant. On other transcripts: non-coding transcript variant (5), intron variant (2).
Genome position (GRCh38, 1-based): chr7:103,377,736, G>A on the plus strand (C>T on the coding strand, the complement: SLC26A5 is on the minus strand). VCF-style: chr7-103377736-G-A. GRCh37 (hg19) VCF-style: chr7-103018183-G-A.
Other names: c.1753C>T, p.Pro585Ser (NM_001167962.2, NM_001321787.2); c.1849C>T, p.Pro617Ser (NM_206883.3); c.971+20196C>T (NM_206885.3); c.1514+11272C>T (NM_206884.3); short protein forms P585S, P617S.
Identifiers: ClinVar variation 1103716 (VCV001103716.10), dbSNP rs144150940, ClinGen allele CA4419378.